The following is an entry in ClinVar:

ClinVar aggregate classification (germline): Likely benign (0 of 4 stars; one submission).

Conditions:
CEP170B-related disorder. Also called: CEP170B-related condition.

Allele frequency attached by ClinVar (database versions not stated): 1000 Genomes Project 0.00020; 1000 Genomes Project 30x 0.00031; ExAC 0.00093; TOPMed 0.00103; gnomAD 0.00106; ESP Exome Variant Server 0.00153; gnomAD exomes 0.00202.
gnomAD v4.1: 3,095 of 1,609,522 alleles (0.19%); highest among the groups gnomAD compares: Non-Finnish European, 0.24%; 3 homozygotes.

Submission:

PreventionGenetics, part of Exact Sciences
Classification: Likely benign for CEP170B-related condition. Last evaluated: 2019-04-04. Review status: no assertion criteria provided. Collection method: clinical testing. Allele origin: germline.
Comment: This variant is classified as likely benign based on ACMG/AMP sequence variant interpretation guidelines (Richards et al. 2015 PMID: 25741868, with internal and published modifications).

NM_001112726.3(CEP170B):c.753T>C (p.Asp251=)

Gene: CEP170B (centrosomal protein 170B; plus strand). Cytogenetic location: 14q32.33.
Variant type: single nucleotide variant.
Coding change: c.753T>C on transcript NM_001112726.3 (MANE Select); coding-DNA position 753, T replaced by C.
Protein change: p.Asp251=; no amino-acid change (aspartic acid 251 retained).
Molecular consequence: synonymous variant.
Genome position (GRCh38, 1-based): chr14:104,883,210, T>C. VCF-style: chr14-104883210-T-C. GRCh37 (hg19) VCF-style: chr14-105349547-T-C.
Other names: c.543T>C, p.Asp181= (NM_015005.3).
Identifiers: ClinVar variation 3037330 (VCV003037330.2), dbSNP rs200725057, ClinGen allele CA7375398.
Genomic context (GRCh38, chr14:104,883,210, plus strand): 5'-GGAGACCCCGCAGCCGTCGCAGCCCCCCGAGGTGCCGGCACACGAGATGCCCACGAAGGA[T>C]GCAGAGGCAGGTGGGGGCGGAGCGGCCCCTGTGGTGCAGAGCCACGCCTCCTTCACCATC-3'
Protein context (NP_001106197.1, residues 241-261): EVPAHEMPTK[Asp251=]AEAGGGGAAP